The following is an entry in ClinVar:

NM_001130823.3(DNMT1):c.2551A>G (p.Ile851Val)

Gene: DNMT1 (DNA methyltransferase 1; minus strand). Cytogenetic location: 19p13.2.
Variant type: single nucleotide variant.
Coding change: c.2551A>G on transcript NM_001130823.3 (MANE Select); coding-DNA position 2551, A replaced by G.
Protein change: p.Ile851Val; replaces isoleucine 851 with valine.
Molecular consequence: missense variant.
Genome position (GRCh38, 1-based): chr19:10,149,488, T>C on the plus strand (A>G on the coding strand, the complement: DNMT1 is on the minus strand). VCF-style: chr19-10149488-T-C. GRCh37 (hg19) VCF-style: chr19-10260164-T-C.
Other names: c.2503A>G, p.Ile835Val (NM_001318730.2, NM_001379.4); c.2188A>G, p.Ile730Val (NM_001318731.2); short protein forms I835V, I730V, I851V.
Identifiers: ClinVar variation 4752737 (VCV004752737.1).

ClinVar aggregate classification (germline): Uncertain significance (1 of 4 stars; one submission).

Conditions:
Hereditary sensory neuropathy-deafness-dementia syndrome. Also called: HSN IE; NEUROPATHY, HEREDITARY SENSORY, WITH HEARING LOSS AND DEMENTIA; Hereditary Sensory and Autonomic Neuropathy Type 1E (HSAN1E); Hereditary sensory neuropathy type IE. Identifiers: Orphanet 456318, MedGen C3279885, MONDO:0013584, OMIM 614116.

gnomAD v4.1: 5 of 1,614,094 alleles (0.00031%); highest among the groups gnomAD compares: East Asian, 0.0022%; no homozygotes.

Submission:

Labcorp Genetics (formerly Invitae), Labcorp
Classification: Uncertain significance for Hereditary sensory neuropathy-deafness-dementia syndrome. Last evaluated: 2025-08-03. Review status: criteria provided, single submitter. Criteria: Invitae Variant Classification Sherloc (09022015). Collection method: clinical testing. Allele origin: germline.
Comment: This sequence change replaces isoleucine, which is neutral and non-polar, with valine, which is neutral and non-polar, at codon 851 of the DNMT1 protein (p.Ile851Val). This variant is present in population databases (no rsID available, gnomAD 0.0009%). This variant has not been reported in the literature in individuals affected with DNMT1-related conditions. Invitae Evidence Modeling of protein sequence and biophysical properties (such as structural, functional, and spatial information, amino acid conservation, physicochemical variation, residue mobility, and thermodynamic stability) indicates that this missense variant is not expected to disrupt DNMT1 protein function with a negative predictive value of 80%. In summary, the available evidence is currently insufficient to determine the role of this variant in disease. Therefore, it has been classified as a Variant of Uncertain Significance.